The following is an entry in ClinVar:

NM_001374504.1(TMPRSS6):c.1619C>A (p.Pro540Gln)

Gene: TMPRSS6 (transmembrane serine protease 6; minus strand). Cytogenetic location: 22q12.3.
Variant type: single nucleotide variant.
Coding change: c.1619C>A on transcript NM_001374504.1 (MANE Select); coding-DNA position 1619, C replaced by A.
Protein change: p.Pro540Gln; replaces proline 540 with glutamine.
Molecular consequence: missense variant.
Genome position (GRCh38, 1-based): chr22:37,070,969, G>T on the plus strand (C>A on the coding strand, the complement: TMPRSS6 is on the minus strand). VCF-style: chr22-37070969-G-T. GRCh37 (hg19) VCF-style: chr22-37467009-G-T.
Other names: c.1619C>A, p.Pro540Gln (NM_001289000.2, NM_001289001.2, NM_153609.4); short protein forms P549Q, P540Q.
Identifiers: ClinVar variation 450615 (VCV000450615.2), dbSNP rs201244227, ClinGen allele CA411420217.

ClinVar aggregate classification (germline): Uncertain significance (1 of 4 stars; one submission).

Submission:

GeneDx
Classification: Uncertain significance. Last evaluated: 2017-07-20. Review status: criteria provided, single submitter. Criteria: GeneDx Variant Classification (06012015). Collection method: clinical testing. Allele origin: germline. Affected: yes.
Comment: The P549Q variant in the TMPRSS6 gene has not been reported previously as a pathogenic variant, nor as a benign variant, to our knowledge. The P549Q variant is not observed in large population cohorts (Lek et al., 2016; 1000 Genomes Consortium et al., 2015; Exome Variant Server). The P549Q variant is a non-conservative amino acid substitution, which is likely to impact secondary protein structure as these residues differ in polarity, charge, size and/or other properties. This substitution occurs at a position that is conserved across species. In silico analysis predicts this variant is probably damaging to the protein structure/function. We interpret P549Q as a variant of uncertain significance.